The following is an entry in ClinVar:

ClinVar aggregate classification (germline): Pathogenic (1 of 4 stars; one submission).

Conditions:
Atrial standstill 1 (ATRST1). Also called: ATRIAL CARDIOMYOPATHY WITH HEART BLOCK; CARDIOMYOPATHY, FAMILIAL, WITH CONDUCTION DISTURBANCE; Atrial standstill, digenic (GJA5/SCN5A). Identifiers: Orphanet 1344, MedGen C4551959, MONDO:0007171, OMIM 108770.
Atrial fibrillation, familial, 11 (ATFB11). Identifiers: MedGen C3279693, MONDO:0013544, OMIM 614049.

Submission:

Labcorp Genetics (formerly Invitae), Labcorp
Classification: Pathogenic for Atrial fibrillation, familial, 11; Atrial standstill 1. Last evaluated: 2024-02-02. Review status: criteria provided, single submitter. Criteria: Invitae Variant Classification Sherloc (09022015). Collection method: clinical testing. Allele origin: germline.
Comment: This sequence change affects the initiator methionine of the GJA5 mRNA. The next in-frame methionine is located at codon 34. This variant is not present in population databases (gnomAD no frequency). This variant has not been reported in the literature in individuals affected with GJA5-related conditions. This variant disrupts a region of the GJA5 protein in which other variant(s) (p.Gly8Glufs*14) have been determined to be pathogenic (Invitae). This suggests that this is a clinically significant region of the protein, and that variants that disrupt it are likely to be disease-causing. For these reasons, this variant has been classified as Pathogenic.

NM_181703.4(GJA5):c.3G>A (p.Met1Ile)

Gene: GJA5 (gap junction protein alpha 5; minus strand). Cytogenetic location: 1q21.2.
Variant type: single nucleotide variant.
Coding change: c.3G>A on transcript NM_181703.4 (MANE Select); coding-DNA position 3, G replaced by A.
Protein change: p.Met1Ile; changes the start codon (methionine 1).
Molecular consequence: missense variant, initiator codon variant.
Genome position (GRCh38, 1-based): chr1:147,759,236, C>T on the plus strand (G>A on the coding strand, the complement: GJA5 is on the minus strand). VCF-style: chr1-147759236-C-T. GRCh37 (hg19) VCF-style: chr1-147231344-C-T.
Other names: c.3G>A, p.Met1Ile (NM_005266.7); short protein forms M1I.
Identifiers: ClinVar variation 3755327 (VCV003755327.2).